The following is an entry in ClinVar:

NM_031407.7(HUWE1):c.2072T>C (p.Leu691Pro)

Gene: HUWE1 (HECT, UBA and WWE domain containing E3 ubiquitin protein ligase 1; minus strand). Cytogenetic location: Xp11.22.
Variant type: single nucleotide variant.
Coding change: c.2072T>C on transcript NM_031407.7 (MANE Select); coding-DNA position 2072, T replaced by C.
Protein change: p.Leu691Pro; replaces leucine 691 with proline.
Molecular consequence: missense variant.
Genome position (GRCh38, 1-based): chrX:53,614,723, A>G on the plus strand (T>C on the coding strand, the complement: HUWE1 is on the minus strand). VCF-style: chrX-53614723-A-G. GRCh37 (hg19) VCF-style: chrX-53641684-A-G.
Other names: c.2072T>C, p.Leu691Pro (NM_001441056.1, NM_001441057.1, NM_001441058.1 and 6 more transcripts); c.2093T>C, p.Leu698Pro (NM_001441055.1, NM_001441050.1); short protein forms L691P, L698P.
Identifiers: ClinVar variation 4795703 (VCV004795703.1).
Genomic context (GRCh38, chrX:53,614,723, plus strand): 5'-GCAGTGCCATCTGCCTTCTGGATTGATGGCTTCTGACAGATGTATTTGGGGTCCCTTCCA[A>G]GATTACAGATTTCTTCAAGTAACTGAAAGGCACAGGAAATAAGATTACTTATTAGTAATC-3'
Protein context (NP_113584.3, residues 681-701): IIKLLEEICN[Leu691Pro]GRDPKYICQK

ClinVar aggregate classification (germline): Uncertain significance (1 of 4 stars; one submission).

Submission:

GeneDx
Classification: Uncertain significance. Last evaluated: 2025-08-08. Review status: criteria provided, single submitter. Criteria: GeneDx Variant Classification Process June 2021. Collection method: clinical testing. Allele origin: germline. Affected: yes.
Comment: Has not been previously published as pathogenic or benign to our knowledge; Not observed at significant frequency in large population cohorts (gnomAD); In silico analysis supports that this missense variant has a deleterious effect on protein structure/function